The following is an entry in ClinVar:

ClinVar aggregate classification (germline): Uncertain significance. Review status: criteria provided, multiple submitters, no conflicts (2 of 4 stars). 3 submissions from 3 submitters: Uncertain significance (3). Last evaluated 2024-06-17.

Conditions:
Cardiovascular phenotype. Identifiers: MedGen CN230736.
Cholestanol storage disease (CTX). Also called: Cerebrotendinous Xanthomatosis; CEREBRAL CHOLESTERINOSIS; CTX: Cerebrotendinous xanthomatosis. Identifiers: Orphanet 909, MedGen C0238052, MONDO:0008948, OMIM 213700.

Allele frequency attached by ClinVar (database versions not stated): gnomAD exomes 0.00001.

Submissions (3):

Ambry Genetics
Classification: Uncertain significance for Cardiovascular phenotype. Last evaluated: 2024-06-17. Review status: criteria provided, single submitter. Criteria: Ambry Variant Classification Scheme 2023. Collection method: clinical testing. Allele origin: germline.
Comment: The p.K520T variant (also known as c.1559A>C), located in coding exon 9 of the CYP27A1 gene, results from an A to C substitution at nucleotide position 1559. The lysine at codon 520 is replaced by threonine, an amino acid with similar properties. This amino acid position is conserved. In addition, this alteration is predicted to be tolerated by in silico analysis. Based on the available evidence, the clinical significance of this variant remains unclear.

Labcorp Genetics (formerly Invitae), Labcorp
Classification: Uncertain significance for Cholestanol storage disease. Last evaluated: 2022-06-23. Review status: criteria provided, single submitter. Criteria: Invitae Variant Classification Sherloc (09022015). Collection method: clinical testing. Allele origin: germline.
Comment: This sequence change replaces lysine, which is basic and polar, with threonine, which is neutral and polar, at codon 520 of the CYP27A1 protein (p.Lys520Thr). This variant is not present in population databases (gnomAD no frequency). This variant has not been reported in the literature in individuals affected with CYP27A1-related conditions. ClinVar contains an entry for this variant (Variation ID: 896125). Advanced modeling of protein sequence and biophysical properties (such as structural, functional, and spatial information, amino acid conservation, physicochemical variation, residue mobility, and thermodynamic stability) performed at Invitae indicates that this missense variant is not expected to disrupt CYP27A1 protein function. In summary, the available evidence is currently insufficient to determine the role of this variant in disease. Therefore, it has been classified as a Variant of Uncertain Significance.

Illumina Laboratory Services, Illumina
Classification: Uncertain significance for Cholestanol storage disease. Last evaluated: 2017-04-27. Review status: criteria provided, single submitter. Criteria: ICSL Variant Classification Criteria 13 December 2019. Collection method: clinical testing. Allele origin: germline.

NM_000784.4(CYP27A1):c.1559A>C (p.Lys520Thr)

Gene: CYP27A1 (cytochrome P450 family 27 subfamily A member 1; plus strand). Cytogenetic location: 2q35.
Variant type: single nucleotide variant.
Coding change: c.1559A>C on transcript NM_000784.4 (MANE Select); coding-DNA position 1559, A replaced by C.
Protein change: p.Lys520Thr; replaces lysine 520 with threonine.
Molecular consequence: missense variant.
Genome position (GRCh38, 1-based): chr2:218,814,993, A>C. VCF-style: chr2-218814993-A-C. GRCh37 (hg19) VCF-style: chr2-219679716-A-C.
Other names: short protein forms K520T.
Identifiers: ClinVar variation 896125 (VCV000896125.7), dbSNP rs1943774432, ClinGen allele CA350596667.
Genomic context (GRCh38, chr2:218,814,993, plus strand): 5'-TCCTGGCCCCGGAGACGGGGGAGTTGAAGAGTGTGGCCCGCATTGTCCTGGTTCCCAATA[A>C]GAAAGTGGGCCTGCAGTTCCTGCAGAGACAGTGCTGAGCTGAGTCTCCGCCTTGCTGGGG-3'
Protein context (NP_000775.1, residues 510-530): SVARIVLVPN[Lys520Thr]KVGLQFLQRQ